The following is an entry in ClinVar:

NM_005422.4(TECTA):c.4441A>G (p.Ser1481Gly)

Genes: TECTA (tectorin alpha; plus strand), TBCEL-TECTA (TBCEL-TECTA readthrough; plus strand). Cytogenetic location: 11q23.3.
Variant type: single nucleotide variant.
Coding change: c.4441A>G on transcript NM_005422.4 (MANE Select); coding-DNA position 4441, A replaced by G.
Protein change: p.Ser1481Gly; replaces serine 1481 with glycine.
Molecular consequence: missense variant.
Genome position (GRCh38, 1-based): chr11:121,157,976, A>G. VCF-style: chr11-121157976-A-G. GRCh37 (hg19) VCF-style: chr11-121028685-A-G.
Other names: c.5398A>G, p.Ser1800Gly (NM_001378761.1); short protein forms S1481G, S1800G.
Identifiers: ClinVar variation 303026 (VCV000303026.13), dbSNP rs201946991, ClinGen allele CA6327457.

ClinVar aggregate classification (germline): Uncertain significance. Review status: criteria provided, multiple submitters, no conflicts (2 of 4 stars). 4 submissions from 3 submitters: Uncertain significance (4). Last evaluated 2024-11-12.

Conditions:
Autosomal dominant nonsyndromic hearing loss 12. Also called: DEAFNESS, AUTOSOMAL DOMINANT 8. Identifiers: Orphanet 90635, MedGen C1832187, MONDO:0011102, OMIM 601543.
Autosomal recessive nonsyndromic hearing loss 21. Identifiers: Orphanet 90636, MedGen C1863655, MONDO:0011351, OMIM 603629.

Allele frequency attached by ClinVar (database versions not stated): gnomAD 0.00002 and 0.00003; gnomAD exomes 0.00002 and 0.00009; ExAC 0.00003; TOPMed 0.00005.
gnomAD v4.1: 127 of 1,613,412 alleles (0.0079%); highest among the groups gnomAD compares: Non-Finnish European, 0.011%; no homozygotes.

Submissions (4):

Labcorp Genetics (formerly Invitae), Labcorp
Classification: Uncertain significance. Last evaluated: 2024-11-12. Review status: criteria provided, single submitter. Criteria: Invitae Variant Classification Sherloc (09022015). Collection method: clinical testing. Allele origin: germline.
Comment: This sequence change replaces serine, which is neutral and polar, with glycine, which is neutral and non-polar, at codon 1481 of the TECTA protein (p.Ser1481Gly). This variant is present in population databases (rs201946991, gnomAD 0.006%). This missense change has been observed in individual(s) with childhood deafness (PMID: 36597107). ClinVar contains an entry for this variant (Variation ID: 303026). Invitae Evidence Modeling of protein sequence and biophysical properties (such as structural, functional, and spatial information, amino acid conservation, physicochemical variation, residue mobility, and thermodynamic stability) indicates that this missense variant is not expected to disrupt TECTA protein function with a negative predictive value of 95%. In summary, the available evidence is currently insufficient to determine the role of this variant in disease. Therefore, it has been classified as a Variant of Uncertain Significance.

Illumina Laboratory Services, Illumina
Classification: Uncertain significance for Autosomal dominant nonsyndromic hearing loss 12. Last evaluated: 2018-01-13. Review status: criteria provided, single submitter. Criteria: ICSL Variant Classification Criteria 13 December 2019. Collection method: clinical testing. Allele origin: germline.

Illumina Laboratory Services, Illumina
Classification: Uncertain significance for Autosomal recessive nonsyndromic hearing loss 21. Last evaluated: 2018-01-13. Review status: criteria provided, single submitter. Criteria: ICSL Variant Classification Criteria 13 December 2019. Collection method: clinical testing. Allele origin: germline.

Laboratory for Molecular Medicine, Mass General Brigham Personalized Medicine
Classification: Uncertain significance. Last evaluated: 2016-06-09. Review status: criteria provided, single submitter. Criteria: LMM Criteria. Collection method: clinical testing. Allele origin: germline. Observed: 2 variant alleles.
Comment: The p.Ser1481Gly variant in TECTA has not been previously reported in individual s with hearing loss. This variant has been identified in 2/65888 of European chr omosomes and 1/10127 African chromosomes by the Exome Aggregation Consortium (Ex AC; dbSNP rs201946991). Although this variant ha s been seen in the general population, its frequency is not high enough to rule out a pathogenic role. Computational prediction tools and conservation analyses do not provide strong support for or against an impact to the protein. In summar y, the clinical significance of the p.Ser1481Gly variant is uncertain.

Literature cited by the submitters: PubMed 36597107 (cited by Labcorp Genetics (formerly Invitae), Labcorp).